The following is an entry in ClinVar:

ClinVar aggregate classification (germline): Uncertain significance (1 of 4 stars; one submission).

Submission:

GeneDx
Classification: Uncertain significance. Last evaluated: 2023-01-11. Review status: criteria provided, single submitter. Criteria: GeneDx Variant Classification Process June 2021. Collection method: clinical testing. Allele origin: germline. Affected: yes.
Comment: Not observed at significant frequency in large population cohorts (gnomAD); In silico analysis supports that this missense variant does not alter protein structure/function; Has not been previously published as pathogenic or benign to our knowledge

NM_032119.4(ADGRV1):c.14779G>T (p.Ala4927Ser)

Gene: ADGRV1 (adhesion G protein-coupled receptor V1; plus strand). Cytogenetic location: 5q14.3.
Variant type: single nucleotide variant.
Coding change: c.14779G>T on transcript NM_032119.4 (MANE Select); coding-DNA position 14779, G replaced by T.
Protein change: p.Ala4927Ser; replaces alanine 4927 with serine.
Molecular consequence: missense variant. On other transcripts: non-coding transcript variant (1).
Genome position (GRCh38, 1-based): chr5:90,805,401, G>T. VCF-style: chr5-90805401-G-T. GRCh37 (hg19) VCF-style: chr5-90101218-G-T.
Other names: short protein forms A4927S.
Identifiers: ClinVar variation 2572786 (VCV002572786.1), dbSNP rs2150201172, ClinGen allele CA360406318.